The following is an entry in ClinVar:

ClinVar aggregate classification (germline): Uncertain significance. Review status: criteria provided, multiple submitters, no conflicts (2 of 4 stars). 2 submissions from 2 submitters: Uncertain significance (2). Last evaluated 2021-08-27.

Conditions:
Inborn genetic diseases. Identifiers: MedGen C0950123, MeSH D030342.
DNA ligase IV deficiency. Identifiers: Orphanet 99812, MedGen C1847827, MONDO:0011686, OMIM 606593.

Allele frequency attached by ClinVar (database versions not stated): gnomAD 0.00001; gnomAD exomes 0.00001; TOPMed 0.00001; ExAC 0.00002; ESP Exome Variant Server 0.00023.

Submissions (2):

Labcorp Genetics (formerly Invitae), Labcorp
Classification: Uncertain significance for DNA ligase IV deficiency. Last evaluated: 2021-08-27. Review status: criteria provided, single submitter. Criteria: Invitae Variant Classification Sherloc (09022015). Collection method: clinical testing. Allele origin: germline.
Comment: This sequence change replaces aspartic acid with asparagine at codon 587 of the LIG4 protein (p.Asp587Asn). The aspartic acid residue is highly conserved and there is a small physicochemical difference between aspartic acid and asparagine. This variant is present in population databases (rs377478239, ExAC 0.003%). This variant has not been reported in the literature in individuals affected with LIG4-related conditions. Algorithms developed to predict the effect of missense changes on protein structure and function output the following: SIFT: "Deleterious"; PolyPhen-2: "Possibly Damaging"; Align-GVGD: "Class C15". The asparagine amino acid residue is found in multiple mammalian species, which suggests that this missense change does not adversely affect protein function. In summary, the available evidence is currently insufficient to determine the role of this variant in disease. Therefore, it has been classified as a Variant of Uncertain Significance.

Ambry Genetics
Classification: Uncertain significance for Inborn genetic diseases. Last evaluated: 2021-07-14. Review status: criteria provided, single submitter. Criteria: Ambry Variant Classification Scheme 2023. Collection method: clinical testing. Allele origin: germline.

NM_206937.2(LIG4):c.1759G>A (p.Asp587Asn)

Gene: LIG4 (DNA ligase 4; minus strand). Cytogenetic location: 13q33.3.
Variant type: single nucleotide variant.
Coding change: c.1759G>A on transcript NM_206937.2 (MANE Select); coding-DNA position 1759, G replaced by A.
Protein change: p.Asp587Asn; replaces aspartic acid 587 with asparagine.
Molecular consequence: missense variant.
Genome position (GRCh38, 1-based): chr13:108,209,510, C>T on the plus strand (G>A on the coding strand, the complement: LIG4 is on the minus strand). VCF-style: chr13-108209510-C-T. GRCh37 (hg19) VCF-style: chr13-108861858-C-T.
Other names: c.1759G>A, p.Asp587Asn (NM_001098268.2, NM_001352598.2, NM_001352599.2 and 6 more transcripts); c.1558G>A, p.Asp520Asn (NM_001330595.2); c.1795G>A, p.Asp599Asn (NM_001352604.2); short protein forms D587N, D599N, D520N.
Identifiers: ClinVar variation 1492141 (VCV001492141.6), dbSNP rs377478239, ClinGen allele CA7043617.